The following is an entry in ClinVar:

NM_020738.4(KIDINS220):c.3386C>T (p.Thr1129Met)

Gene: KIDINS220 (kinase D interacting substrate 220; minus strand). Cytogenetic location: 2p25.1.
Variant type: single nucleotide variant.
Coding change: c.3386C>T on transcript NM_020738.4 (MANE Select); coding-DNA position 3386, C replaced by T.
Protein change: p.Thr1129Met; replaces threonine 1129 with methionine.
Molecular consequence: missense variant. On other transcripts: non-coding transcript variant (2).
Genome position (GRCh38, 1-based): chr2:8,750,140, G>A on the plus strand (C>T on the coding strand, the complement: KIDINS220 is on the minus strand). VCF-style: chr2-8750140-G-A. GRCh37 (hg19) VCF-style: chr2-8890270-G-A.
Other names: c.3389C>T, p.Thr1130Met (NM_001348729.2, NM_001348731.2, NM_001348734.2 and 2 more transcripts); c.3386C>T, p.Thr1129Met (NM_001348732.2, NM_001348735.2, NM_001348738.2 and 3 more transcripts); c.3260C>T, p.Thr1087Met (NM_001348736.2); c.3386C>T (NM_020738.2); short protein forms T1087M, T1129M, T1130M.
Identifiers: ClinVar variation 2973704 (VCV002973704.5), dbSNP rs775892620, ClinGen allele CA1519680.

ClinVar aggregate classification (germline): Conflicting classifications of pathogenicity. Review status: criteria provided, conflicting classifications (1 of 4 stars). 4 submissions from 4 submitters: Uncertain significance (2); Likely benign (1). 1 of the submissions does not count toward it. Last evaluated 2026-05-27.

Conditions:
KIDINS220-related disorder. Also called: KIDINS220-related condition.
Ventriculomegaly and arthrogryposis. Identifiers: MedGen C5561973, MONDO:0859184, OMIM 619501.

Allele frequency attached by ClinVar (database versions not stated): gnomAD 0.00001; TOPMed 0.00001; ExAC 0.00002; gnomAD exomes 0.00002.
gnomAD v4.1: 32 of 1,613,976 alleles (0.002%); highest among the groups gnomAD compares: South Asian, 0.0088%; no homozygotes.

Submissions (4):

Women's Health and Genetics/Laboratory Corporation of America, LabCorp
Classification: Uncertain significance. Last evaluated: 2026-05-27. Review status: criteria provided, single submitter. Criteria: LabCorp Variant Classification Summary - May 2015. Collection method: clinical testing. Allele origin: germline.
Comment: Variant summary: KIDINS220 c.3386C>T (p.Thr1129Met) results in a non-conservative amino acid change in the encoded protein sequence. Algorithms developed to predict the effect of missense changes on protein structure and function are either unavailable or do not agree on the potential impact of this missense change. The variant allele was found at a frequency of 2.4e-05 in 249244 control chromosomes. The available data on variant occurrences in the general population are insufficient to allow any conclusion about variant significance. To our knowledge, no occurrence of c.3386C>T in individuals affected with KIDINS220-related conditions and no experimental evidence demonstrating its impact on protein function have been reported. ClinVar contains an entry for this variant (Variation ID: 2973704). Based on the evidence outlined above, the variant was classified as uncertain significance.

Labcorp Genetics (formerly Invitae), Labcorp
Classification: Uncertain significance. Last evaluated: 2025-08-22. Review status: criteria provided, single submitter. Criteria: Invitae Variant Classification Sherloc (09022015). Collection method: clinical testing. Allele origin: germline.
Comment: This sequence change replaces threonine, which is neutral and polar, with methionine, which is neutral and non-polar, at codon 1129 of the KIDINS220 protein (p.Thr1129Met). This variant is present in population databases (rs775892620, gnomAD 0.006%). This variant has not been reported in the literature in individuals affected with KIDINS220-related conditions. ClinVar contains an entry for this variant (Variation ID: 2973704). An algorithm developed to predict the effect of missense changes on protein structure and function (PolyPhen-2) suggests that this variant is likely to be disruptive. In summary, the available evidence is currently insufficient to determine the role of this variant in disease. Therefore, it has been classified as a Variant of Uncertain Significance.

3billion
Classification: Likely benign for Ventriculomegaly and arthrogryposis. Last evaluated: 2024-09-20. Review status: criteria provided, single submitter. Criteria: ACMG Guidelines, 2015. Collection method: clinical testing. Allele origin: germline. Affected: no.
Comment: The homozygous variant was found in patients diagnosed with another variant in a different gene, with no symptoms related to the gene containing the homozygous variant.

PreventionGenetics, part of Exact Sciences
Classification: Uncertain significance for KIDINS220-related condition. Last evaluated: 2024-04-30. Review status: no assertion criteria provided. Collection method: clinical testing. Allele origin: germline. Not counted in ClinVar's aggregate classification.
Comment: The KIDINS220 c.3386C>T variant is predicted to result in the amino acid substitution p.Thr1129Met. To our knowledge, this variant has not been reported in the literature. This variant is reported in 0.0065% of alleles in individuals of South Asian descent in gnomAD. At this time, the clinical significance of this variant is uncertain due to the absence of conclusive functional and genetic evidence.